The following is an entry in ClinVar:

ClinVar aggregate classification (germline): Pathogenic/Likely pathogenic. Review status: criteria provided, multiple submitters, no conflicts (2 of 4 stars). 13 submissions from 13 submitters: Pathogenic (10); Likely pathogenic (1). 2 of the submissions do not count toward it. Last evaluated 2026-04-01.

Conditions:
Retinitis pigmentosa (RP). Identifiers: Orphanet 791, MedGen C0035334, MeSH D012174, MONDO:0019200, OMIM 268000. Inheritance: Autosomal dominant, autosomal recessive and X linked inheritance.
Retinitis pigmentosa 25 (RP25). Identifiers: Orphanet 791, MedGen C1864446, MONDO:0011272, OMIM 602772.
EYS-related retinopathy. Identifiers: MedGen CN322597, MONDO:0800391.
EYS-related disorder. Also called: EYS-related condition.
Retinal dystrophy. Also called: Inherited retinal dystrophy. Identifiers: Orphanet 71862, MedGen C0854723, MeSH D058499, MONDO:0019118, HP:0000556.

Allele frequency attached by ClinVar (database versions not stated): gnomAD 0.00002; TOPMed 0.00002; gnomAD exomes 0.00003 and 0.00004; ExAC 0.00004.
gnomAD v4.1: 44 of 1,550,530 alleles (0.0028%); highest among the groups gnomAD compares: Admixed American, 0.0059%; no homozygotes.

Submissions (14):

PreventionGenetics, part of Exact Sciences
Classification: Pathogenic for EYS-related condition. Last evaluated: 2026-04-01. Review status: criteria provided, single submitter. Criteria: ACMG Guidelines, 2015. Collection method: clinical testing. Allele origin: germline.
Comment: The EYS c.2259+1G>A variant is predicted to disrupt the GT donor site and interfere with normal splicing. This variant was reported, along with a second potential or known causative variant, in individuals with retinitis pigmentosa (see, for example, Bonilha et al. 2015. PubMed ID: 25491159; Wang et al. 2017. PubMed ID: 28838317; Sharon et al. 2019. PubMed ID: 31456290; supplementary data, Liu et al. 2020. PubMed ID: 33090715; McGuigan et al. 2017. PubMed ID: 28704921). This variant is reported in 0.012% of alleles in individuals of Latino descent in gnomAD. Variants that disrupt the consensus splice donor site in EYS are expected to be pathogenic. This variant is interpreted as pathogenic.

Labcorp Genetics (formerly Invitae), Labcorp
Classification: Pathogenic. Last evaluated: 2026-01-19. Review status: criteria provided, single submitter. Criteria: Invitae Variant Classification Sherloc (09022015). Collection method: clinical testing. Allele origin: germline.
Comment: This sequence change affects a donor splice site in intron 14 of the EYS gene. It is expected to disrupt RNA splicing. Variants that disrupt the donor or acceptor splice site typically lead to a loss of protein function (PMID: 16199547), and loss-of-function variants in EYS are known to be pathogenic (PMID: 18836446, 20333770). This variant is present in population databases (rs752736741, gnomAD 0.01%). Disruption of this splice site has been observed in individual(s) with autosomal recessive retinitis pigmentosa (PMID: 25491159, 26787102, 28704921, 28838317). It has also been observed to segregate with disease in related individuals. ClinVar contains an entry for this variant (Variation ID: 558511). Algorithms developed to predict the effect of sequence changes on RNA splicing suggest that this variant may disrupt the consensus splice site. For these reasons, this variant has been classified as Pathogenic.

Natera, Inc.
Classification: Pathogenic for Retinitis pigmentosa type 25. Last evaluated: 2025-10-30. Review status: criteria provided, single submitter. Criteria: Natera Variant Classification Schema (03/2026). Collection method: clinical testing. Allele origin: germline.
Comment: The c.2259+1G>A variant in EYS is a canonical splice donor site variant predicted to affect pre-mRNA splicing, which may result in an abnormal transcript and altered protein product. This variant is expected to result in nonsense mediated decay, truncation, or a dysfunctional protein product. This variant is rare in the general population with a frequency below the threshold expected for the associated phenotype(s). This variant has been observed in one or more individuals affected with the associated recessive disease, as either homozygous or compound heterozygous with a second variant (PMID: 28704921). Given the available evidence, this variant is classified as Pathogenic.

3billion
Classification: Pathogenic for Retinitis pigmentosa 25. Last evaluated: 2025-06-09. Review status: criteria provided, single submitter. Criteria: ACMG Guidelines, 2015. Collection method: clinical testing. Allele origin: germline. Affected: yes.
Comment: The variant is observed at an extremely low frequency in the gnomAD v4.1.0 dataset (total allele frequency: 0.003%). Predicted Consequence/Location: Canonical splice site: predicted to alter splicing and result in a loss or disruption of normal protein function. Multiple pathogenic loss-of-function variants are reported downstream of the variant. In silico tools predict the variant to alter splicing and produce an abnormal transcript [SpliceAI: 0.98 (spliceogenicity >=0.2, non-spliceogenicity <0.1)]. The variant has been reported at least twice as pathogenic with clinical assertions and evidence for the classification (ClinVar ID: VCV000558511 /PMID: 25491159 /3billion dataset). Therefore, this variant is classified as Pathogenic according to the recommendation of ACMG/AMP guideline.

Baylor Genetics
Classification: Pathogenic for Retinitis pigmentosa 25. Last evaluated: 2024-02-29. Review status: criteria provided, single submitter. Criteria: ACMG Guidelines, 2015. Collection method: clinical testing. Allele origin: unknown.

Fulgent Genetics
Classification: Pathogenic for Retinitis pigmentosa 25. Last evaluated: 2024-01-02. Review status: criteria provided, single submitter. Criteria: ACMG Guidelines, 2015. Collection method: clinical testing. Allele origin: germline.

Dept Of Ophthalmology, Nagoya University
Classification: Pathogenic for Retinal dystrophy. Last evaluated: 2023-10-01. Review status: criteria provided, single submitter. Criteria: Submitter's publication. Collection method: research. Allele origin: germline. Affected: yes.

Department of Pathology and Laboratory Medicine, Sinai Health System
Classification: Likely pathogenic for EYS-related retinopathy. Last evaluated: 2023-06-26. Review status: criteria provided, single submitter. Criteria: ACMG Guidelines, 2015. Collection method: research. Allele origin: germline.

Blueprint Genetics
Classification: Pathogenic for EYS-related disorders. Last evaluated: 2023-05-26. Review status: criteria provided, single submitter. Criteria: ACMG Guidelines, 2015. Collection method: clinical testing. Allele origin: germline. Affected: yes. Observed: 5 variant alleles.

Ocular Genomics Institute, Massachusetts Eye and Ear
Classification: Pathogenic for Retinitis pigmentosa 25. Last evaluated: 2021-04-08. Review status: criteria provided, single submitter. Criteria: ACMG Guidelines, 2015. Collection method: research. Allele origin: germline. Affected: yes.
Comment: Through a review of available evidence we were able to apply the following criteria: PVS1, PM2, PS1. Based on this evidence we have classified this variant as Pathogenic.

Institute of Human Genetics, Univ. Regensburg, Univ. Regensburg
Classification: Pathogenic for Retinal dystrophy. Last evaluated: 2018-01-01. Review status: criteria provided, single submitter. Criteria: ACMG Guidelines, 2015. Collection method: clinical testing. Allele origin: germline. Affected: yes.

Sharon lab, Hadassah-Hebrew University Medical Center
Classification: Pathogenic for Retinitis pigmentosa. Last evaluated: 2019-06-23. Review status: no assertion criteria provided. Collection method: research. Allele origin: inherited. Affected: yes. Not counted in ClinVar's aggregate classification.

Counsyl
Classification: Pathogenic for Retinitis pigmentosa 25. Last evaluated: 2018-05-24. Review status: no assertion criteria provided. Collection method: clinical testing. Allele origin: unknown. Not counted in ClinVar's aggregate classification.

Dr. Peter K. Rogan Lab, Western University
No classification provided (evidence only). Condition: Hepatocellular carcinoma. Review status: no classification provided. Collection method: in vitro. Allele origin: not applicable. Functional consequence: retained intron. Not counted in ClinVar's aggregate classification.

Literature cited by the submitters: PubMed 16199547 (cited by Labcorp Genetics (formerly Invitae), Labcorp); PubMed 18836446 (cited by Labcorp Genetics (formerly Invitae), Labcorp and Ocular Genomics Institute, Massachusetts Eye and Ear); PubMed 20333770 (cited by Labcorp Genetics (formerly Invitae), Labcorp and Ocular Genomics Institute, Massachusetts Eye and Ear); PubMed 25491159 (cited by 5 submitters); PubMed 26787102 (cited by 3 submitters); PubMed 28704921 (cited by 3 submitters); PubMed 28838317 (cited by 3 submitters); PubMed 31964843 (cited by Institute of Human Genetics, Univ. Regensburg, Univ. Regensburg); PubMed 33090715 (cited by Institute of Human Genetics, Univ. Regensburg, Univ. Regensburg); PubMed 31456290 (cited by Institute of Human Genetics, Univ. Regensburg, Univ. Regensburg).

NM_001142800.2(EYS):c.2259+1G>A

Gene: EYS (EGF-like photoreceptor maintenance factor; minus strand). Cytogenetic location: 6q12.
Variant type: single nucleotide variant.
Coding change: c.2259+1G>A on transcript NM_001142800.2 (MANE Select); the canonical splice donor site of the intron after coding-DNA position 2259, G replaced by A.
Molecular consequence: splice donor variant.
Genome position (GRCh38, 1-based): chr6:64,997,581, C>T on the plus strand (G>A on the coding strand, the complement: EYS is on the minus strand). VCF-style: chr6-64997581-C-T. GRCh37 (hg19) VCF-style: chr6-65707474-C-T.
Other names: c.2259+1G>A (NM_001292009.2).
Identifiers: ClinVar variation 558511 (VCV000558511.23), dbSNP rs752736741, ClinGen allele CA3877304.
Genomic context (GRCh38, chr6:64,997,581, plus strand): 5'-ACATAGGTGTTAAATTATATTAGTCCACATTTAGGTATATAAAAAGCCAGTGGATACTAA[C>T]GAGATGCAGGTCTTTGCAGGTAGAATTGTGCTCACAGGCATTCAGGATGCAGTCATCAAT-3'